The following is an entry in ClinVar:

ClinVar aggregate classification (germline): Conflicting classifications of pathogenicity. Review status: criteria provided, conflicting classifications (1 of 4 stars). 3 submissions from 3 submitters: Uncertain significance (2); Likely benign (1). Last evaluated 2024-07-01.

Conditions:
Ataxia-telangiectasia-like disorder (ATLD). Identifiers: MedGen C1858391, MONDO:0011457.
Hereditary cancer-predisposing syndrome. Also called: Neoplastic Syndromes, Hereditary; Tumor predisposition; Hereditary Cancer Syndrome; Hereditary neoplastic syndrome. Identifiers: Orphanet 140162, MedGen C0027672, MeSH D009386, MONDO:0015356.

gnomAD v4.1: 1 of 1,613,808 alleles (0.000062%); highest among the groups gnomAD compares: Non-Finnish European, 0.000085%; no homozygotes.

Submissions (3):

Quest Diagnostics Nichols Institute San Juan Capistrano
Classification: Uncertain significance. Last evaluated: 2024-07-01. Review status: criteria provided, single submitter. Criteria: Quest Diagnostics criteria. Collection method: clinical testing. Allele origin: unknown.

Ambry Genetics
Classification: Likely benign for Hereditary cancer-predisposing syndrome. Last evaluated: 2024-03-04. Review status: criteria provided, single submitter. Criteria: Ambry Variant Classification Scheme 2023. Collection method: clinical testing. Allele origin: germline.

Labcorp Genetics (formerly Invitae), Labcorp
Classification: Uncertain significance for Ataxia-telangiectasia-like disorder. Last evaluated: 2023-11-05. Review status: criteria provided, single submitter. Criteria: Invitae Variant Classification Sherloc (09022015). Collection method: clinical testing. Allele origin: germline.
Comment: This sequence change replaces asparagine, which is neutral and polar, with serine, which is neutral and polar, at codon 607 of the MRE11 protein (p.Asn607Ser). This variant is not present in population databases (gnomAD no frequency). This variant has not been reported in the literature in individuals affected with MRE11-related conditions. ClinVar contains an entry for this variant (Variation ID: 820136). Algorithms developed to predict the effect of missense changes on protein structure and function output the following: SIFT: "Not Available"; PolyPhen-2: "Benign"; Align-GVGD: "Not Available". The serine amino acid residue is found in multiple mammalian species, which suggests that this missense change does not adversely affect protein function. In summary, the available evidence is currently insufficient to determine the role of this variant in disease. Therefore, it has been classified as a Variant of Uncertain Significance.

NM_005591.4(MRE11):c.1820A>G (p.Asn607Ser)

Gene: MRE11 (MRE11 double strand break repair nuclease; minus strand). Cytogenetic location: 11q21.
Variant type: single nucleotide variant.
Coding change: c.1820A>G on transcript NM_005591.4 (MANE Select); coding-DNA position 1820, A replaced by G.
Protein change: p.Asn607Ser; replaces asparagine 607 with serine.
Molecular consequence: missense variant. On other transcripts: intron variant (1).
Genome position (GRCh38, 1-based): chr11:94,445,857, T>C on the plus strand (A>G on the coding strand, the complement: MRE11 is on the minus strand). VCF-style: chr11-94445857-T-C. GRCh37 (hg19) VCF-style: chr11-94179023-T-C.
Other names: c.1817A>G, p.Asn606Ser (NM_001330347.2); c.1783+1362A>G (NM_005590.4); short protein forms N606S, N607S.
Identifiers: ClinVar variation 820136 (VCV000820136.8), dbSNP rs1002601808, ClinGen allele CA226523769.
Genomic context (GRCh38, chr11:94,445,857, plus strand): 5'-AGTCTATACTCACCATCTATAATAGACATATTTCTAGATGCTGACACAGCAGTCTTTGAG[T>C]TCCTGCTACGGGTAGAAGTCTCCAGACCAGTGTCTGCTGTTAGAAAAATGAACAGTCAAT-3'
Protein context (NP_005582.1, residues 597-617): TGLETSTRSR[Asn607Ser]SKTAVSASRN